The following is an entry in ClinVar:

ClinVar aggregate classification (germline): Uncertain significance (1 of 4 stars; one submission).

Conditions:
NOTCH2-related disorder. Also called: NOTCH2-related condition.

Submission:

PreventionGenetics, part of Exact Sciences
Classification: Uncertain significance for NOTCH2-related condition. Last evaluated: 2023-05-08. Review status: criteria provided, single submitter. Criteria: ACMG Guidelines, 2015. Collection method: clinical testing. Allele origin: germline.
Comment: The NOTCH2 c.2660T>C variant is predicted to result in the amino acid substitution p.Leu887Pro. To our knowledge, this variant has not been reported in the literature or in a large population database, indicating this variant is rare. At this time, the clinical significance of this variant is uncertain due to the absence of conclusive functional and genetic evidence.

NM_024408.4(NOTCH2):c.2660T>C (p.Leu887Pro)

Gene: NOTCH2 (notch receptor 2; minus strand). Cytogenetic location: 1p12.
Variant type: single nucleotide variant.
Coding change: c.2660T>C on transcript NM_024408.4 (MANE Select); coding-DNA position 2660, T replaced by C.
Protein change: p.Leu887Pro; replaces leucine 887 with proline.
Molecular consequence: missense variant.
Genome position (GRCh38, 1-based): chr1:119,948,506, A>G on the plus strand (T>C on the coding strand, the complement: NOTCH2 is on the minus strand). VCF-style: chr1-119948506-A-G. GRCh37 (hg19) VCF-style: chr1-120491129-A-G.
Other names: c.2660T>C, p.Leu887Pro (NM_001200001.2); short protein forms L887P.
Identifiers: ClinVar variation 2633081 (VCV002633081.1), dbSNP rs1553197333, ClinGen allele CA341858527.
Genomic context (GRCh38, chr1:119,948,506, plus strand): 5'-TCCATACCACTGAAGCCTGGTGGACATTCACACATGTAGCTGCCCTGGGTGTTATGGCAG[A>G]GACCATGGTTCATGCAGGGCTTGGAGATACACTCGTCAATGTCAATGGTACACCGCTGAC-3'
Protein context (NP_077719.2, residues 877-897): CISKPCMNHG[Leu887Pro]CHNTQGSYMC